The following is an entry in ClinVar:

NM_020338.4(ZMIZ1):c.1664del (p.Pro555fs)

Gene: ZMIZ1 (zinc finger MIZ-type containing 1; plus strand). Cytogenetic location: 10q22.3.
Variant type: Deletion.
Coding change: c.1664del on transcript NM_020338.4 (MANE Select); coding-DNA position 1664, one base deleted (C; older notation c.1664delC).
Protein change: p.Pro555fs; shifts the reading frame from proline 555.
Molecular consequence: frameshift variant.
Genome position (GRCh38, 1-based): chr10:79,298,578, C deleted; the last of 5 consecutive C bases (chr10:79,298,574-79,298,578); deleting any one gives the same sequence. VCF-style (leftmost placement, unchanged base first): chr10-79298573-AC-A. GRCh37 (hg19) VCF-style: chr10-81058330-AC-A.
Other names: short protein forms P555fs.
Identifiers: ClinVar variation 3383505 (VCV003383505.2).
Genomic context (GRCh38, chr10:79,298,573, plus strand): 5'-CCAAGACGTCAAACCACCCTTCCCGCCTGACATCAAGCCAAATATGAGCGCTCTGCCACC[AC>A]CCCCAGGTGAGGGCCCTCCCTCCCTCTCTTGGCAGCTCCACCTGGGCCCCCCAGTGGGCC-3'

ClinVar aggregate classification (germline): Likely pathogenic (1 of 4 stars; one submission).

Submission:

GeneDx
Classification: Likely pathogenic. Last evaluated: 2025-01-24. Review status: criteria provided, single submitter. Criteria: GeneDx Variant Classification Process June 2021. Collection method: clinical testing. Allele origin: germline. Affected: yes.
Comment: Frameshift variant predicted to result in protein truncation or nonsense mediated decay in a gene for which loss of function is a known mechanism of disease; Not observed at significant frequency in large population cohorts (gnomAD); Has not been previously published as pathogenic or benign to our knowledge